The following is an entry in ClinVar:

ClinVar aggregate classification (germline): Conflicting classifications of pathogenicity. Review status: criteria provided, conflicting classifications (1 of 4 stars). 3 submissions from 3 submitters: Uncertain significance (2); Likely benign (1). Last evaluated 2025-04-02.

Conditions:
Progressive sclerosing poliodystrophy (MTDPS4A). Also called: ALPERS PROGRESSIVE INFANTILE POLIODYSTROPHY; NEURONAL DEGENERATION OF CHILDHOOD WITH LIVER DISEASE, PROGRESSIVE; Alpers Syndrome; ALPERS DIFFUSE DEGENERATION OF CEREBRAL GRAY MATTER WITH HEPATIC CIRRHOSIS; Alpers-Huttenlocher Syndrome; Mitochondrial DNA depletion syndrome 4A (Alpers type). Identifiers: Orphanet 726, MedGen C0205710, MONDO:0008758, OMIM 203700.
Mitochondrial DNA depletion syndrome 4b. Also called: Mitochondrial Neurogastrointestinal Encephalopathy Disease, POLG-Related; MNGIE, POLG-RELATED. Identifiers: Orphanet 298, MedGen C3150914, MONDO:0013350, OMIM 613662.
Mitochondrial DNA depletion syndrome 1. Also called: Mitochondrial neurogastrointestinal encephalomyopathy syndrome; Mitochondrial DNA depletion syndrome 1 (MNGIE type); POLIP SYNDROME; POLYNEUROPATHY, OPHTHALMOPLEGIA, LEUKOENCEPHALOPATHY, AND INTESTINAL PSEUDOOBSTRUCTION; Mitochondrial Neurogastrointestinal Encephalopathy Disease; MITOCHONDRIAL NEUROGASTROINTESTINAL ENCEPHALOPATHY SYNDROME, TYMP-RELATED. Identifiers: Orphanet 298, MedGen C4551995, MONDO:0011283, OMIM 603041.
Progressive external ophthalmoplegia with mitochondrial DNA deletions, autosomal recessive 1 (PEOB1). Also called: Autosomal Recessive Progressive External Ophthalmoplegia (arPEO); Progressive external ophthalmoplegia, autosomal recessive 1. Identifiers: Orphanet 254886, MedGen C4225153, MONDO:0009783, OMIM 258450.
Progressive external ophthalmoplegia with mitochondrial DNA deletions, autosomal dominant 1 (PEOA1). Also called: Autosomal Dominant Progressive External Ophthalmoplegia (adPEO); PROGRESSIVE EXTERNAL OPHTHALMOPLEGIA, AUTOSOMAL DOMINANT 1. Identifiers: MedGen C1834846, MONDO:0024528, OMIM 157640.
Sensory ataxic neuropathy, dysarthria, and ophthalmoparesis (SANDO). Also called: Sensory ataxic neuropathy-dysarthria-ophthalmoparesis syndrome; Epilepsy, progressive myoclonic, type 5; SENSORY ATAXIC NEUROPATHY WITH MITOCHONDRIAL DNA DELETIONS, AUTOSOMAL RECESSIVE; Ataxia Neuropathy Spectrum (ANS). Identifiers: Orphanet 70595, MedGen C1843851, MONDO:0011835, OMIM 607459.

Allele frequency attached by ClinVar (database versions not stated): gnomAD exomes 0.00002.
gnomAD v4.1: 9 of 1,614,196 alleles (0.00056%); highest among the groups gnomAD compares: East Asian, 0.018%; no homozygotes.

Submissions (3):

Mayo Clinic Laboratories, Mayo Clinic
Classification: Likely benign. Last evaluated: 2025-04-02. Review status: criteria provided, single submitter. Criteria: ACMG Guidelines, 2015. Collection method: clinical testing. Allele origin: germline. Observed: 1 variant allele.
Comment: BP4, BP7

Labcorp Genetics (formerly Invitae), Labcorp
Classification: Uncertain significance for Progressive sclerosing poliodystrophy. Last evaluated: 2025-02-17. Review status: criteria provided, single submitter. Criteria: Invitae Variant Classification Sherloc (09022015). Collection method: clinical testing. Allele origin: germline.
Comment: This sequence change falls in intron 7 of the POLG gene. It does not directly change the encoded amino acid sequence of the POLG protein. It affects a nucleotide within the consensus splice site. This variant is not present in population databases (gnomAD no frequency). This variant has not been reported in the literature in individuals affected with POLG-related conditions. ClinVar contains an entry for this variant (Variation ID: 1444207). Variants that disrupt the consensus splice site are a relatively common cause of aberrant splicing (PMID: 17576681, 9536098). Algorithms developed to predict the effect of sequence changes on RNA splicing suggest that this variant is not likely to affect RNA splicing. In summary, the available evidence is currently insufficient to determine the role of this variant in disease. Therefore, it has been classified as a Variant of Uncertain Significance.

Fulgent Genetics
Classification: Uncertain significance for Progressive external ophthalmoplegia with mitochondrial DNA deletions, autosomal dominant 1; Progressive sclerosing poliodystrophy; Progressive external ophthalmoplegia with mitochondrial DNA deletions, autosomal recessive 1; Mitochondrial DNA depletion syndrome 1; Sensory ataxic neuropathy, dysarthria, and ophthalmoparesis; Mitochondrial DNA depletion syndrome 4b. Last evaluated: 2021-10-08. Review status: criteria provided, single submitter. Criteria: ACMG Guidelines, 2015. Collection method: clinical testing. Allele origin: unknown.

Literature cited by the submitters: PubMed 17576681 (cited by Labcorp Genetics (formerly Invitae), Labcorp); PubMed 9536098 (cited by Labcorp Genetics (formerly Invitae), Labcorp).

NM_002693.3(POLG):c.1433+5C>T

Gene: POLG (DNA polymerase gamma, catalytic subunit; minus strand). Cytogenetic location: 15q26.1.
Variant type: single nucleotide variant.
Coding change: c.1433+5C>T on transcript NM_002693.3 (MANE Select); 5 bases into the intron after coding-DNA position 1433, C replaced by T.
Molecular consequence: intron variant.
Genome position (GRCh38, 1-based): chr15:89,327,162, G>A on the plus strand (C>T on the coding strand, the complement: POLG is on the minus strand). VCF-style: chr15-89327162-G-A. GRCh37 (hg19) VCF-style: chr15-89870393-G-A.
Other names: c.1433+5C>T (NM_001126131.2, NM_002693.2).
Identifiers: ClinVar variation 1444207 (VCV001444207.6), dbSNP rs924516946, ClinGen allele CA274556520.